The following is an entry in ClinVar:

ClinVar aggregate classification (germline): Likely benign (1 of 4 stars; one submission).

gnomAD v4.1: 28 of 1,614,016 alleles (0.0017%); highest among the groups gnomAD compares: South Asian, 0.014%; no homozygotes.

Submission:

CeGaT Center for Human Genetics Tuebingen
Classification: Likely benign. Last evaluated: 2026-04-01. Review status: criteria provided, single submitter. Criteria: CeGaT Center For Human Genetics Tuebingen Variant Classification Criteria Version 2. Collection method: clinical testing. Allele origin: germline. Affected: yes. Observed: 1 variant allele.
Comment: EPHA2: BS2

NM_004431.5(EPHA2):c.1234G>A (p.Val412Met)

Gene: EPHA2 (EPH receptor A2; minus strand). Cytogenetic location: 1p36.13.
Variant type: single nucleotide variant.
Coding change: c.1234G>A on transcript NM_004431.5 (MANE Select); coding-DNA position 1234, G replaced by A.
Protein change: p.Val412Met; replaces valine 412 with methionine.
Molecular consequence: missense variant.
Genome position (GRCh38, 1-based): chr1:16,137,931, C>T on the plus strand (G>A on the coding strand, the complement: EPHA2 is on the minus strand). VCF-style: chr1-16137931-C-T. GRCh37 (hg19) VCF-style: chr1-16464426-C-T.
Other names: c.1072G>A, p.Val358Met (NM_001329090.2); short protein forms V358M, V412M.
Identifiers: ClinVar variation 4873560 (VCV004873560.2).